The following is an entry in ClinVar:

ClinVar aggregate classification (germline): Uncertain significance. Review status: criteria provided, multiple submitters, no conflicts (2 of 4 stars). 2 submissions from 2 submitters: Uncertain significance (2). Last evaluated 2023-12-12.

Conditions:
Emery-Dreifuss muscular dystrophy (EDMD). Also called: Scapuloperoneal syndrome, X-linked (formerly); Humeroperoneal neuromuscular disease, (formerly). Identifiers: Orphanet 261, MedGen C0410189, MONDO:0016830.

Allele frequency attached by ClinVar (database versions not stated): ExAC 0.00001; gnomAD 0.00001.
gnomAD v4.1: 2 of 1,613,242 alleles (0.00012%); highest among the groups gnomAD compares: Non-Finnish European, 0.00017%; no homozygotes.

Submissions (2):

Ambry Genetics
Classification: Uncertain significance. Last evaluated: 2023-12-12. Review status: criteria provided, single submitter. Criteria: Ambry Variant Classification Scheme 2023. Collection method: clinical testing. Allele origin: germline.

Labcorp Genetics (formerly Invitae), Labcorp
Classification: Uncertain significance for Emery-Dreifuss muscular dystrophy. Last evaluated: 2022-03-26. Review status: criteria provided, single submitter. Criteria: Invitae Variant Classification Sherloc (09022015). Collection method: clinical testing. Allele origin: germline.
Comment: In summary, the available evidence is currently insufficient to determine the role of this variant in disease. Therefore, it has been classified as a Variant of Uncertain Significance. Algorithms developed to predict the effect of missense changes on protein structure and function (SIFT, PolyPhen-2, Align-GVGD) all suggest that this variant is likely to be tolerated. This variant has not been reported in the literature in individuals affected with SUN2-related conditions. This variant is present in population databases (rs746325837, gnomAD 0.002%). This sequence change replaces alanine, which is neutral and non-polar, with proline, which is neutral and non-polar, at codon 330 of the SUN2 protein (p.Ala330Pro).

NM_015374.3(SUN2):c.988G>C (p.Ala330Pro)

Genes: GTPBP1 (GTP binding protein 1; plus strand), SUN2 (Sad1 and UNC84 domain containing 2; minus strand). Cytogenetic location: 22q13.1.
Variant type: single nucleotide variant.
Coding change: c.988G>C on transcript NM_015374.3 (MANE Select); coding-DNA position 988, G replaced by C.
Protein change: p.Ala330Pro; replaces alanine 330 with proline.
Molecular consequence: missense variant. On other transcripts: intron variant (3).
Genome position (GRCh38, 1-based): chr22:38,742,381, C>G on the plus strand (G>C on the coding strand, the complement: SUN2 is on the minus strand). VCF-style: chr22-38742381-C-G. GRCh37 (hg19) VCF-style: chr22-39138386-C-G.
Other names: c.988G>C (NM_015374.2); c.1051G>C, p.Ala351Pro (NM_001199579.2, NM_001394428.1); c.988G>C, p.Ala330Pro (NM_001199580.2, NM_001394431.1, NM_001394432.1 and 5 more transcripts); c.1081G>C, p.Ala361Pro (NM_001394427.1); c.1033G>C, p.Ala345Pro (NM_001394429.1, NM_001394430.1); c.898G>C, p.Ala300Pro (NM_001394438.1); c.850G>C, p.Ala284Pro (NM_001394439.1, NM_001394440.1, NM_001394441.1); c.496G>C, p.Ala166Pro (NM_001394443.1); and 2 more; short protein forms A351P, A300P, A330P, A284P, A345P, A166P, A361P.
Identifiers: ClinVar variation 2091979 (VCV002091979.5), dbSNP rs746325837, ClinGen allele CA10235701.